The following is an entry in ClinVar:

ClinVar aggregate classification (germline): Likely benign (1 of 4 stars; one submission).

Allele frequency attached by ClinVar (database versions not stated): gnomAD exomes below 0.00001.

Submission:

Women's Health and Genetics/Laboratory Corporation of America, LabCorp
Classification: Likely benign. Last evaluated: 2023-09-11. Review status: criteria provided, single submitter. Criteria: LabCorp Variant Classification Summary - May 2015. Collection method: clinical testing. Allele origin: germline.
Comment: Variant summary: MORC2 c.2331A>G alters a non-conserved nucleotide resulting in a synonymous change. Consensus agreement among computation tools predict no significant impact on normal splicing. However, these predictions have yet to be confirmed by functional studies. The variant was absent in 251068 control chromosomes (gnomAD). The available data on variant occurrences in the general population are insufficient to allow any conclusion about variant significance. To our knowledge, no occurrence of c.2331A>G in individuals affected with Developmental Delay, Impaired Growth, Dysmorphic Facies, And Axonal Neuropathy and no experimental evidence demonstrating its impact on protein function have been reported. No submitters have cited clinical-significance assessments for this variant to ClinVar after 2014. Based on the evidence outlined above, the variant was classified as likely benign.

NM_001303256.3(MORC2):c.2331A>G (p.Ser777=)

Gene: MORC2 (MORC family CW-type zinc finger 2; minus strand). Cytogenetic location: 22q12.2.
Variant type: single nucleotide variant.
Coding change: c.2331A>G on transcript NM_001303256.3 (MANE Select); coding-DNA position 2331, A replaced by G.
Protein change: p.Ser777=; no amino-acid change (serine 777 retained).
Molecular consequence: synonymous variant.
Genome position (GRCh38, 1-based): chr22:30,933,515, T>C on the plus strand (A>G on the coding strand, the complement: MORC2 is on the minus strand). VCF-style: chr22-30933515-T-C. GRCh37 (hg19) VCF-style: chr22-31329502-T-C.
Other names: c.2331A>G, p.Ser777= (NM_001303257.2); c.2145A>G, p.Ser715= (NM_014941.3).
Identifiers: ClinVar variation 2627181 (VCV002627181.1), dbSNP rs2040607269, ClinGen allele CA514238984.